The following is an entry in ClinVar:

NM_005633.4(SOS1):c.1543G>A (p.Glu515Lys)

Gene: SOS1 (SOS Ras/Rac guanine nucleotide exchange factor 1; minus strand). Cytogenetic location: 2p22.1.
Variant type: single nucleotide variant.
Coding change: c.1543G>A on transcript NM_005633.4 (MANE Select); coding-DNA position 1543, G replaced by A.
Protein change: p.Glu515Lys; replaces glutamic acid 515 with lysine.
Molecular consequence: missense variant.
Genome position (GRCh38, 1-based): chr2:39,022,885, C>T on the plus strand (G>A on the coding strand, the complement: SOS1 is on the minus strand). VCF-style: chr2-39022885-C-T. GRCh37 (hg19) VCF-style: chr2-39250026-C-T.
Other names: c.1522G>A, p.Glu508Lys (NM_001382394.1); c.1543G>A, p.Glu515Lys (NM_001382395.1); short protein forms E508K, E515K.
Identifiers: ClinVar variation 2502075 (VCV002502075.2), dbSNP rs946850660, ClinGen allele CA45674634.

ClinVar aggregate classification (germline): Uncertain significance. Review status: criteria provided, multiple submitters, no conflicts (2 of 4 stars). 2 submissions from 2 submitters: Uncertain significance (2). Last evaluated 2026-08-06.

Conditions:
Noonan syndrome 4 (NS4). Also called: NOONAN SYNDROME WITH PIGMENTED VILLONODULAR SYNOVITIS; SOS1-Related Noonan Syndrome. Identifiers: Orphanet 648, MedGen C1853120, MONDO:0012547, OMIM 610733.

Submissions (2):

OLLIN Analises Genomicas, OLLIN
Classification: Uncertain significance for Noonan syndrome 4. Last evaluated: 2026-08-06. Review status: criteria provided, single submitter. Criteria: ACMG Guidelines 2015 PMID 25741868. Collection method: clinical testing. Allele origin: germline. Inheritance: Autosomal dominant inheritance.
Comment: This missense variant, located in exon 10 (of 23), is absent from gnomAD and has not been identified in the literature. However, it has been reported in ClinVar (accession VCV002502075.1). In silico analysis predicts that this variant has a deleterious effect. This gene is constrained for missense variation. According to the currently available evidence, this variant has been classified as uncertain significance (PS4_P, PM2_P, PP2, PP3).

GeneDx
Classification: Uncertain significance. Last evaluated: 2022-11-09. Review status: criteria provided, single submitter. Criteria: GeneDx Variant Classification Process June 2021. Collection method: clinical testing. Allele origin: germline. Affected: yes.
Comment: Not observed at significant frequency in large population cohorts (gnomAD); Missense variants in this gene are often considered pathogenic (HGMD); In silico analysis supports that this missense variant has a deleterious effect on protein structure/function; Has not been previously published as pathogenic or benign to our knowledge; This variant is associated with the following publications: (PMID: 24077912)